The following is an entry in ClinVar:

NM_001375567.1(FOCAD):c.1018G>C (p.Glu340Gln)

Gene: FOCAD (focadhesin; plus strand). Cytogenetic location: 9p21.3.
Variant type: single nucleotide variant.
Coding change: c.1018G>C on transcript NM_001375567.1 (MANE Select); coding-DNA position 1018, G replaced by C.
Protein change: p.Glu340Gln; replaces glutamic acid 340 with glutamine.
Molecular consequence: missense variant.
Genome position (GRCh38, 1-based): chr9:20,781,750, G>C. VCF-style: chr9-20781750-G-C. GRCh37 (hg19) VCF-style: chr9-20781749-G-C.
Other names: c.1018G>C, p.Glu340Gln (NM_001375568.1, NM_017794.5); c.913G>C, p.Glu305Gln (NM_001375570.1); short protein forms E305Q, E340Q.
Identifiers: ClinVar variation 4739045 (VCV004739045.1).

ClinVar aggregate classification (germline): Uncertain significance (1 of 4 stars; one submission).

gnomAD v4.1: 65 of 1,613,684 alleles (0.004%); highest among the groups gnomAD compares: Non-Finnish European, 0.0053%; no homozygotes.

Submission:

Labcorp Genetics (formerly Invitae), Labcorp
Classification: Uncertain significance. Last evaluated: 2025-09-17. Review status: criteria provided, single submitter. Criteria: Invitae Variant Classification Sherloc (09022015). Collection method: clinical testing. Allele origin: germline.
Comment: This sequence change replaces glutamic acid, which is acidic and polar, with glutamine, which is neutral and polar, at codon 340 of the FOCAD protein (p.Glu340Gln). This variant is present in population databases (rs138987581, gnomAD 0.005%). This variant has not been reported in the literature in individuals affected with FOCAD-related conditions. Experimental studies and prediction algorithms are not available or were not evaluated, and the functional significance of this variant is currently unknown. Algorithms developed to predict the effect of sequence changes on RNA splicing suggest that this variant may disrupt the consensus splice site. In summary, the available evidence is currently insufficient to determine the role of this variant in disease. Therefore, it has been classified as a Variant of Uncertain Significance.